The following is an entry in ClinVar:

NM_005629.4(SLC6A8):c.199G>C (p.Gly67Arg)

Gene: SLC6A8 (solute carrier family 6 member 8; plus strand). Cytogenetic location: Xq28.
Variant type: single nucleotide variant.
Coding change: c.199G>C on transcript NM_005629.4 (MANE Select); coding-DNA position 199, G replaced by C.
Protein change: p.Gly67Arg; replaces glycine 67 with arginine.
Molecular consequence: missense variant.
Genome position (GRCh38, 1-based): chrX:153,688,773, G>C. VCF-style: chrX-153688773-G-C. GRCh37 (hg19) VCF-style: chrX-152954228-G-C.
Other names: c.199G>C, p.Gly67Arg (NM_001142805.2); short protein forms G67R.
Identifiers: ClinVar variation 982780 (VCV000982780.4), dbSNP rs1557043855, ClinGen allele CA415076828.
Genomic context (GRCh38, chrX:153,688,773, plus strand): 5'-CTGGCCGTGCCGCCGCGCGAGACCTGGACGCGCCAGATGGACTTCATCATGTCGTGCGTG[G>C]GCTTCGCCGTGGGCTTGGGCAACGTGTGGCGCTTCCCCTACCTGTGCTACAAGAACGGCG-3'
Protein context (NP_005620.1, residues 57-77): RQMDFIMSCV[Gly67Arg]FAVGLGNVWR

ClinVar aggregate classification (germline): Likely pathogenic (1 of 4 stars; one submission).

Conditions:
Creatine transporter deficiency (CCDS1). Also called: Creatine Transporter (CRTR) Deficiency; Mental retardation , X-linked with seizures, short stature and midface hypoplasia; Mental retardation , X-linked, with creatine transport deficiency; X-linked creatine transporter deficiency; X-linked creatine deficiency syndrome; SLC6A8-Related Creatine Transporter Deficiency. Identifiers: Orphanet 52503, MedGen C1845862, MONDO:0010305, OMIM 300352.

Submission:

Institute of Human Genetics, University of Leipzig Medical Center
Classification: Likely pathogenic for Creatine transporter deficiency. Last evaluated: 2024-10-01. Review status: criteria provided, single submitter. Criteria: ACMG Guidelines, 2015. Collection method: clinical testing. Allele origin: de novo. Inheritance: X-linked recessive inheritance. Affected: yes.
Comment: Criteria applied: PS2_MOD,PM2_SUP,PM5_SUP,PP2,PP3